The following is an entry in ClinVar:

ClinVar aggregate classification (germline): Uncertain significance (1 of 4 stars; one submission).

gnomAD v4.1: 2 of 1,610,478 alleles (0.00012%); highest among the groups gnomAD compares: Non-Finnish European, 0.00017%; no homozygotes.

Submission:

Women's Health and Genetics/Laboratory Corporation of America, LabCorp
Classification: Uncertain significance. Last evaluated: 2024-10-25. Review status: criteria provided, single submitter. Criteria: LabCorp Variant Classification Summary - May 2015. Collection method: clinical testing. Allele origin: germline.
Comment: Variant summary: F2 c.1147C>T (p.Arg383Trp) results in a non-conservative amino acid change located in the Serine proteases, trypsin domain (IPR001254) of the encoded protein sequence. Five of five in-silico tools predict a damaging effect of the variant on protein function. The variant allele was found at a frequency of 1.2e-05 in 244274 control chromosomes (gnomAD). c.1147C>T has been reported in the literature in individuals affected with Congenital Prothrombin Deficiency (Tamary_1997, Mansory_2021). These data indicate that the variant may be associated with disease. To our knowledge, no experimental evidence demonstrating an impact on protein function has been reported. The following publications have been ascertained in the context of this evaluation (PMID: 9351523, 33977210). No submitters have cited clinical-significance assessments for this variant to ClinVar. Based on the evidence outlined above, the variant was classified as VUS-possibly pathogenic.

Literature cited by the submitters: PubMed 33977210; PubMed 9351523.

NM_000506.5(F2):c.1147C>T (p.Arg383Trp)

Gene: F2 (coagulation factor II, thrombin; plus strand). Cytogenetic location: 11p11.2.
Variant type: single nucleotide variant.
Coding change: c.1147C>T on transcript NM_000506.5 (MANE Select); coding-DNA position 1147, C replaced by T.
Protein change: p.Arg383Trp; replaces arginine 383 with tryptophan.
Molecular consequence: missense variant.
Genome position (GRCh38, 1-based): chr11:46,728,012, C>T. VCF-style: chr11-46728012-C-T. GRCh37 (hg19) VCF-style: chr11-46749562-C-T.
Other names: short protein forms R383W.
Identifiers: ClinVar variation 3385081 (VCV003385081.1).